The following is an entry in ClinVar:

ClinVar aggregate classification (germline): Uncertain significance (1 of 4 stars; one submission).

Submission:

Ambry Genetics
Classification: Uncertain significance. Last evaluated: 2024-04-20. Review status: criteria provided, single submitter. Criteria: Ambry Variant Classification Scheme 2023. Collection method: clinical testing. Allele origin: germline.
Comment: The p.M144L variant (also known as c.430A>C), located in coding exon 5 of the PRKDC gene, results from an A to C substitution at nucleotide position 430. The methionine at codon 144 is replaced by leucine, an amino acid with highly similar properties. This amino acid position is conserved. In addition, this alteration is predicted to be tolerated by in silico analysis. Based on the available evidence, the clinical significance of this variant remains unclear.

NM_006904.7(PRKDC):c.430A>C (p.Met144Leu)

Gene: PRKDC (protein kinase, DNA-activated, catalytic subunit; minus strand). Cytogenetic location: 8q11.21.
Variant type: single nucleotide variant.
Coding change: c.430A>C on transcript NM_006904.7 (MANE Select); coding-DNA position 430, A replaced by C.
Protein change: p.Met144Leu; replaces methionine 144 with leucine.
Molecular consequence: missense variant.
Genome position (GRCh38, 1-based): chr8:47,954,416, T>G on the plus strand (A>C on the coding strand, the complement: PRKDC is on the minus strand). VCF-style: chr8-47954416-T-G. GRCh37 (hg19) VCF-style: chr8-48866976-T-G.
Other names: c.430A>C, p.Met144Leu (NM_001081640.2); short protein forms M144L.
Identifiers: ClinVar variation 3310123 (VCV003310123.1).